The following is an entry in ClinVar:

ClinVar aggregate classification (germline): Uncertain significance (1 of 4 stars; one submission).

Submission:

Labcorp Genetics (formerly Invitae), Labcorp
Classification: Uncertain significance. Last evaluated: 2023-08-04. Review status: criteria provided, single submitter. Criteria: Invitae Variant Classification Sherloc (09022015). Collection method: clinical testing. Allele origin: germline.
Comment: This variant is not present in population databases (gnomAD no frequency). This variant has not been reported in the literature in individuals affected with ALPK3-related conditions. ClinVar contains an entry for this variant (Variation ID: 1446108). An algorithm developed to predict the effect of missense changes on protein structure and function (PolyPhen-2) suggests that this variant is likely to be disruptive. In summary, the available evidence is currently insufficient to determine the role of this variant in disease. Therefore, it has been classified as a Variant of Uncertain Significance. This sequence change replaces tyrosine, which is neutral and polar, with cysteine, which is neutral and slightly polar, at codon 377 of the ALPK3 protein (p.Tyr377Cys).

NM_020778.5(ALPK3):c.524A>G (p.Tyr175Cys)

Gene: ALPK3 (alpha kinase 3; plus strand). Cytogenetic location: 15q25.3.
Variant type: single nucleotide variant.
Coding change: c.524A>G on transcript NM_020778.5 (MANE Select); coding-DNA position 524, A replaced by G.
Protein change: p.Tyr175Cys; replaces tyrosine 175 with cysteine.
Molecular consequence: missense variant.
Genome position (GRCh38, 1-based): chr15:84,839,803, A>G. VCF-style: chr15-84839803-A-G. GRCh37 (hg19) VCF-style: chr15-85383034-A-G.
Other names: short protein forms Y175C.
Identifiers: ClinVar variation 1446108 (VCV001446108.8), dbSNP rs753599829, ClinGen allele CA393372749.